The following is an entry in ClinVar:

NM_005245.4(FAT1):c.367C>T (p.Leu123Phe)

Gene: FAT1 (FAT atypical cadherin 1; minus strand). Cytogenetic location: 4q35.2.
Variant type: single nucleotide variant.
Coding change: c.367C>T on transcript NM_005245.4 (MANE Select); coding-DNA position 367, C replaced by T.
Protein change: p.Leu123Phe; replaces leucine 123 with phenylalanine.
Molecular consequence: missense variant.
Genome position (GRCh38, 1-based): chr4:186,709,461, G>A on the plus strand (C>T on the coding strand, the complement: FAT1 is on the minus strand). VCF-style: chr4-186709461-G-A. GRCh37 (hg19) VCF-style: chr4-187630615-G-A.
Other names: short protein forms L123F.
Identifiers: ClinVar variation 2631865 (VCV002631865.3), dbSNP rs201265204, ClinGen allele CA3167680.

ClinVar aggregate classification (germline): Uncertain significance. Review status: criteria provided, multiple submitters, no conflicts (2 of 4 stars). 2 submissions from 2 submitters: Uncertain significance (2). Last evaluated 2025-01-06.

Conditions:
FAT1-related disorder. Also called: FAT1-related condition.

Allele frequency attached by ClinVar (database versions not stated): gnomAD 0.00004; ExAC 0.00014; 1000 Genomes Project 30x 0.00031; 1000 Genomes Project 0.00040.
gnomAD v4.1: 54 of 1,613,914 alleles (0.0033%); highest among the groups gnomAD compares: East Asian, 0.1%; no homozygotes.

Submissions (2):

Labcorp Genetics (formerly Invitae), Labcorp
Classification: Uncertain significance. Last evaluated: 2025-01-06. Review status: criteria provided, single submitter. Criteria: Invitae Variant Classification Sherloc (09022015). Collection method: clinical testing. Allele origin: germline.
Comment: This sequence change replaces leucine, which is neutral and non-polar, with phenylalanine, which is neutral and non-polar, at codon 123 of the FAT1 protein (p.Leu123Phe). This variant is present in population databases (rs201265204, gnomAD 0.2%). This variant has not been reported in the literature in individuals affected with FAT1-related conditions. ClinVar contains an entry for this variant (Variation ID: 2631865). Invitae Evidence Modeling of protein sequence and biophysical properties (such as structural, functional, and spatial information, amino acid conservation, physicochemical variation, residue mobility, and thermodynamic stability) indicates that this missense variant is not expected to disrupt FAT1 protein function with a negative predictive value of 80%. In summary, the available evidence is currently insufficient to determine the role of this variant in disease. Therefore, it has been classified as a Variant of Uncertain Significance.

PreventionGenetics, part of Exact Sciences
Classification: Uncertain significance for FAT1-related condition. Last evaluated: 2022-12-19. Review status: criteria provided, single submitter. Criteria: ACMG Guidelines, 2015. Collection method: clinical testing. Allele origin: germline.
Comment: The FAT1 c.367C>T variant is predicted to result in the amino acid substitution p.Leu123Phe. To our knowledge, this variant has not been reported in the literature. This variant is reported in 0.17% of alleles in individuals of East Asian descent in gnomAD. At this time, the clinical significance of this variant is uncertain due to the absence of conclusive functional and genetic evidence.